The following is an entry in ClinVar:

ClinVar aggregate classification (germline): Likely pathogenic. Review status: reviewed by expert panel (3 of 4 stars). 3 submissions from 3 submitters: Likely pathogenic (1). 2 of the submissions do not count toward it. Last evaluated 2025-11-18.

Conditions:
HNF1A-related disorder. Also called: HNF1A-related condition.
Diabetes mellitus type 1 (T1D). Also called: Type I diabetes mellitus; Diabetes Mellitus, Juvenile-Onset. Identifiers: MedGen C0011854, MONDO:0005147, OMIM 222100, HP:0100651.
Type 1 diabetes mellitus 20 (T1D20). Also called: Diabetes mellitus, insulin-dependent, 20. Identifiers: MedGen C2675866, MONDO:0012919, OMIM 612520.
Type 2 diabetes mellitus. Also called: Type II diabetes mellitus. Identifiers: MedGen C0011860, MeSH D003924, MONDO:0005148, OMIM 125853, HP:0005978.
Maturity-onset diabetes of the young type 3. Also called: MODY type 3; MODY, type III. Identifiers: Orphanet 552, MedGen C1838100, MeSH C563933, MONDO:0010894, OMIM 600496. Disease mechanism: loss of function.
Nonpapillary renal cell carcinoma. Identifiers: Orphanet 422526, MedGen CN074294, MONDO:0007763, OMIM 144700.
Hepatic adenomas, familial. Also called: HEPATIC ADENOMA, SOMATIC; LIVER CELL ADENOMAS, FAMILIAL. Identifiers: MedGen C1840646, MONDO:0007718, OMIM 142330.
Monogenic diabetes. Identifiers: Orphanet 183625, MedGen C3888631, MONDO:0015967.

Allele frequency attached by ClinVar (database versions not stated): gnomAD exomes 0.00001 and 0.00002; ExAC 0.00003.
gnomAD v4.1: 3 of 1,613,140 alleles (0.00019%); highest among the groups gnomAD compares: East Asian, 0.0022%; no homozygotes.

Submissions (3):

ClinGen Monogenic Diabetes Variant Curation Expert Panel
Classification: Likely pathogenic for Monogenic diabetes. Last evaluated: 2025-11-18. Review status: reviewed by expert panel. Criteria: ClinGen Diabetes ACMG Specifications HNF1A V3.1.0. Collection method: curation. Allele origin: germline. Inheritance: Autosomal dominant inheritance.
Comment: The c.833G>A variant in the HNF1 homeobox A gene, HNF1A, causes an amino acid change of arginine to glutamine at codon 278 (p.(Arg278Gln)) of NM_000545.8. This variant is located within a conserved region of the DNA binding domain (codons 107-174 and 201-280) of HNF1A, which is defined as critical for the protein’s function by the ClinGen MDEP (PM1_Supporting). It is also predicted to be deleterious by computational evidence, with a REVEL score of 0.7839, which is greater than the MDEP VCEP threshold of 0.70 (PP3). This variant has a gnomAD v4.1.0 Grpmax filtering allele frequency of 2.800e-7, which is below the MDEP threshold of 0.000003 (PM2_Supporting). This variant was identified in at least 10 unrelated individuals with non-autoimmune and non-absolute/near-absolute insulin-deficient diabetes (PS4; PMID:20950394, PMID:33115208, internal lab contributors). At least 3 of these individuals have a clinical history highly specific for HNF1A-MODY (MODY probability calculator result >50%, negative genetic testing for HNF4A, negative antibodies) (PP4_Moderate; internal lab contributors). In summary, the c.833G>A variant meets the criteria to be classified as likely pathogenic for monogenic diabetes. ACMG/AMP criteria applied, as specified by the ClinGen MDEP (specification version 3.1.0, approved 10/10/2025): PS4, PM2_Supporting, PP3, PP4_Moderate, PM1_Supporting.

PreventionGenetics, part of Exact Sciences
Classification: Likely pathogenic for HNF1A-related condition. Last evaluated: 2026-05-12. Review status: criteria provided, single submitter. Criteria: ACMG Guidelines, 2015. Collection method: clinical testing. Allele origin: germline. Not counted in ClinVar's aggregate classification.
Comment: The HNF1A c.833G>A variant is predicted to result in the amino acid substitution p.Arg278Gln. This variant has been reported in the heterozygous state in an individual with early-onset diabetes and in a individual with gestational diabetes mellitus who also had a family history of diabetes mellitus (Kim et al. 2008. DOI 10.4093/kdj.2008.32.1.38; Incani et al. 2010. PubMed ID: 20950394). This variant occurs within a conserved region of the DNA binding domain (codons 107-174 and 201-280) of HNF1A, defined as critical for the protein’s function by the ClinGen Monogenic Diabetes Variant Curation Expert Panel (MDEP) and has been interpreted as likely pathogenic in ClinVar by the ClinGen MDEP (Variation ID: 1342955). This variant has also been found in the heterozygous state in the germline of an individual with hepatocellular adenoma (HCA) (Jeannot et al. 2010. PubMed ID: 20393147). This variant is reported in 0.011% of alleles in individuals of East Asian descent in gnomAD. Taken together, this variant is interpreted as likely pathogenic.

Juno Genomics, Hangzhou Juno Genomics, Inc
Classification: Likely pathogenic for Diabetes mellitus type 1; Type 2 diabetes mellitus; Type 1 diabetes mellitus 20; Hepatic adenomas, familial; Maturity-onset diabetes of the young type 3; Nonpapillary renal cell carcinoma. Review status: criteria provided, single submitter. Criteria: ACMG Guidelines, 2015. Collection method: clinical testing. Allele origin: germline. Not counted in ClinVar's aggregate classification.
Comment: Absent from controls (or at extremely low frequency if recessive) in Genome Aggregation Database.;Multiple lines of computational evidence support a deleterious effect on the gene or gene product.;The prevalence of the variant in affected individuals is significantly increased compared to the prevalence in controls.;Located in a mutational hot spot and/or critical and well-established functional domain without benign variation.;Patient's phenotype or family history is highly specific for a disease with a single genetic etiology.

Literature cited by the submitters: PubMed 20950394 (cited by ClinGen Monogenic Diabetes Variant Curation Expert Panel); PubMed 33115208 (cited by ClinGen Monogenic Diabetes Variant Curation Expert Panel).

NM_000545.8(HNF1A):c.833G>A (p.Arg278Gln)

Gene: HNF1A (HNF1 homeobox A; plus strand). Cytogenetic location: 12q24.31.
Variant type: single nucleotide variant.
Coding change: c.833G>A on transcript NM_000545.8 (MANE Select); coding-DNA position 833, G replaced by A.
Protein change: p.Arg278Gln; replaces arginine 278 with glutamine.
Molecular consequence: missense variant.
Genome position (GRCh38, 1-based): chr12:120,994,283, G>A. VCF-style: chr12-120994283-G-A. GRCh37 (hg19) VCF-style: chr12-121432086-G-A.
Other names: NM_001306179.2:c.833G>A; NM_000545.8(HNF1A):c.833G>A; p.Arg278Gln; c.833G>A, p.Arg278Gln (NM_001306179.2); c.833G>A (NM_000545.6); short protein forms R278Q.
Identifiers: ClinVar variation 1342955 (VCV001342955.8), dbSNP rs760640415, ClinGen allele CA6831838.